The following is an entry in ClinVar:

NM_001271.4(CHD2):c.3315G>A (p.Thr1105=)

Gene: CHD2 (chromodomain helicase DNA binding protein 2; plus strand). Cytogenetic location: 15q26.1.
Variant type: single nucleotide variant.
Coding change: c.3315G>A on transcript NM_001271.4 (MANE Select); coding-DNA position 3315, G replaced by A.
Protein change: p.Thr1105=; no amino-acid change (threonine 1105 retained).
Molecular consequence: synonymous variant.
Genome position (GRCh38, 1-based): chr15:92,985,575, G>A. VCF-style: chr15-92985575-G-A. GRCh37 (hg19) VCF-style: chr15-93528805-G-A.
Identifiers: ClinVar variation 386582 (VCV000386582.40), dbSNP rs138979360, ClinGen allele CA7748180.

ClinVar aggregate classification (germline): Benign/Likely benign. Review status: criteria provided, multiple submitters, no conflicts (2 of 4 stars). 4 submissions from 4 submitters: Benign (2); Likely benign (2). Last evaluated 2025-12-21.

Conditions:
Inborn genetic diseases. Identifiers: MedGen C0950123, MeSH D030342.
Developmental and epileptic encephalopathy 94 (DEE94). Also called: Epileptic encephalopathy, childhood-onset; CHD2-Related Neurodevelopmental Disorders. Identifiers: Orphanet 1942, Orphanet 2382, MedGen C3809278, MONDO:0014150, OMIM 615369.

Allele frequency attached by ClinVar (database versions not stated): gnomAD exomes 0.00003 and 0.00008; ExAC 0.00015; gnomAD 0.00026 and 0.00027; TOPMed 0.00034; ESP Exome Variant Server 0.00062; 1000 Genomes Project 0.00080; 1000 Genomes Project 30x 0.00094.
gnomAD v4.1: 82 of 1,614,052 alleles (0.0051%); highest among the groups gnomAD compares: African/African-American, 0.076%; no homozygotes.

Submissions (4):

Labcorp Genetics (formerly Invitae), Labcorp
Classification: Benign for Developmental and epileptic encephalopathy 94. Last evaluated: 2025-12-21. Review status: criteria provided, single submitter. Criteria: Invitae Variant Classification Sherloc (09022015). Collection method: clinical testing. Allele origin: germline.

CeGaT Center for Human Genetics Tuebingen
Classification: Likely benign. Last evaluated: 2023-09-01. Review status: criteria provided, single submitter. Criteria: CeGaT Center For Human Genetics Tuebingen Variant Classification Criteria Version 2. Collection method: clinical testing. Allele origin: germline. Affected: yes. Observed: 1 variant allele.
Comment: CHD2: BP4, BP7

GeneDx
Classification: Benign. Last evaluated: 2021-03-09. Review status: criteria provided, single submitter. Criteria: GeneDx Variant Classification Process June 2021. Collection method: clinical testing. Allele origin: germline. Affected: yes.

Ambry Genetics
Classification: Likely benign for Inborn genetic diseases. Last evaluated: 2019-06-28. Review status: criteria provided, single submitter. Criteria: Ambry Variant Classification Scheme 2023. Collection method: clinical testing. Allele origin: germline.